The following is an entry in ClinVar:

ClinVar aggregate classification (germline): Likely benign (1 of 4 stars; one submission).

Allele frequency attached by ClinVar (database versions not stated): ExAC 0.00002.
gnomAD v4.1: 18 of 1,614,122 alleles (0.0011%); highest among the groups gnomAD compares: South Asian, 0.02%; no homozygotes.

Submission:

CeGaT Center for Human Genetics Tuebingen
Classification: Likely benign. Last evaluated: 2022-09-01. Review status: criteria provided, single submitter. Criteria: CeGaT Center For Human Genetics Tuebingen Variant Classification Criteria Version 2. Collection method: clinical testing. Allele origin: germline. Affected: yes. Observed: 1 variant allele.
Comment: NR3C2: BP4, BP7

NM_000901.5(NR3C2):c.963G>T (p.Thr321=)

Gene: NR3C2 (nuclear receptor subfamily 3 group C member 2; minus strand). Cytogenetic location: 4q31.23.
Variant type: single nucleotide variant.
Coding change: c.963G>T on transcript NM_000901.5 (MANE Select); coding-DNA position 963, G replaced by T.
Protein change: p.Thr321=; no amino-acid change (threonine 321 retained).
Molecular consequence: synonymous variant. On other transcripts: non-coding transcript variant (1).
Genome position (GRCh38, 1-based): chr4:148,435,898, C>A on the plus strand (G>T on the coding strand, the complement: NR3C2 is on the minus strand). VCF-style: chr4-148435898-C-A. GRCh37 (hg19) VCF-style: chr4-149357050-C-A.
Other names: c.963G>T, p.Thr321= (NM_001166104.2, NM_001354819.1).
Identifiers: ClinVar variation 1711597 (VCV001711597.30), dbSNP rs529946671, ClinGen allele CA3100379.